The following is an entry in ClinVar:

NM_001286.5(CLCN6):c.2299G>A (p.Ala767Thr)

Gene: CLCN6 (chloride voltage-gated channel 6; plus strand). Cytogenetic location: 1p36.22.
Variant type: single nucleotide variant.
Coding change: c.2299G>A on transcript NM_001286.5 (MANE Select); coding-DNA position 2299, G replaced by A.
Protein change: p.Ala767Thr; replaces alanine 767 with threonine.
Molecular consequence: missense variant. On other transcripts: non-coding transcript variant (1).
Genome position (GRCh38, 1-based): chr1:11,838,338, G>A. VCF-style: chr1-11838338-G-A. GRCh37 (hg19) VCF-style: chr1-11898395-G-A.
Other names: c.2233G>A, p.Ala745Thr (NM_001256959.2); short protein forms A767T, A745T.
Identifiers: ClinVar variation 1479300 (VCV001479300.8), dbSNP rs201096522, ClinGen allele CA18004692.

ClinVar aggregate classification (germline): Uncertain significance (1 of 4 stars; one submission).

Allele frequency attached by ClinVar (database versions not stated): gnomAD exomes below 0.00001; 1000 Genomes Project 30x 0.00016; 1000 Genomes Project 0.00020.
gnomAD v4.1: 10 of 1,613,372 alleles (0.00062%); highest among the groups gnomAD compares: East Asian, 0.0022%; no homozygotes.

Submission:

Labcorp Genetics (formerly Invitae), Labcorp
Classification: Uncertain significance. Last evaluated: 2022-11-29. Review status: criteria provided, single submitter. Criteria: Invitae Variant Classification Sherloc (09022015). Collection method: clinical testing. Allele origin: germline.
Comment: In summary, the available evidence is currently insufficient to determine the role of this variant in disease. Therefore, it has been classified as a Variant of Uncertain Significance. Algorithms developed to predict the effect of missense changes on protein structure and function are either unavailable or do not agree on the potential impact of this missense change (SIFT: "Deleterious"; PolyPhen-2: "Benign"; Align-GVGD: "Class C0"). ClinVar contains an entry for this variant (Variation ID: 1479300). This variant has not been reported in the literature in individuals affected with CLCN6-related conditions. This variant is present in population databases (rs201096522, gnomAD 0.002%). This sequence change replaces alanine, which is neutral and non-polar, with threonine, which is neutral and polar, at codon 767 of the CLCN6 protein (p.Ala767Thr).